The following is an entry in ClinVar:

ClinVar aggregate classification (germline): Uncertain significance (1 of 4 stars; one submission).

Conditions:
Muscle AMP deaminase deficiency (MMDD). Also called: Myoadenylate deaminase deficiency, myopathy due to; Adenosine monophosphate deaminase 1 deficiency; AMP deaminase 1 deficiency; Adenosine Monophosphate Deaminase 1; ADENOSINE MONOPHOSPHATE DEAMINASE-1 DEFICIENCY, MYOPATHY DUE TO; AMPD1 DEFICIENCY. Identifiers: Orphanet 45, MedGen C3714933, MONDO:0014220, OMIM 615511.

Submission:

Labcorp Genetics (formerly Invitae), Labcorp
Classification: Uncertain significance for Muscle AMP deaminase deficiency. Last evaluated: 2022-05-25. Review status: criteria provided, single submitter. Criteria: Invitae Variant Classification Sherloc (09022015). Collection method: clinical testing. Allele origin: germline.
Comment: This sequence change replaces glycine, which is neutral and non-polar, with glutamic acid, which is acidic and polar, at codon 745 of the AMPD1 protein (p.Gly745Glu). This variant is not present in population databases (gnomAD no frequency). This variant has not been reported in the literature in individuals affected with AMPD1-related conditions. Algorithms developed to predict the effect of missense changes on protein structure and function (SIFT, PolyPhen-2, Align-GVGD) all suggest that this variant is likely to be disruptive. In summary, the available evidence is currently insufficient to determine the role of this variant in disease. Therefore, it has been classified as a Variant of Uncertain Significance.

NM_000036.3(AMPD1):c.2135G>A (p.Gly712Glu)

Gene: AMPD1 (adenosine monophosphate deaminase 1; minus strand). Cytogenetic location: 1p13.2.
Variant type: single nucleotide variant.
Coding change: c.2135G>A on transcript NM_000036.3 (MANE Select); coding-DNA position 2135, G replaced by A.
Protein change: p.Gly712Glu; replaces glycine 712 with glutamic acid.
Molecular consequence: missense variant.
Genome position (GRCh38, 1-based): chr1:114,673,223, C>T on the plus strand (G>A on the coding strand, the complement: AMPD1 is on the minus strand). VCF-style: chr1-114673223-C-T. GRCh37 (hg19) VCF-style: chr1-115215844-C-T.
Other names: c.2123G>A, p.Gly708Glu (NM_001172626.2); short protein forms G712E, G708E.
Identifiers: ClinVar variation 2088996 (VCV002088996.1), dbSNP rs2526334239, ClinGen allele CA341742665.